The following is an entry in ClinVar:

ClinVar aggregate classification (germline): Uncertain significance (1 of 4 stars; one submission).

Conditions:
Atrial fibrillation, familial, 11 (ATFB11). Identifiers: MedGen C3279693, MONDO:0013544, OMIM 614049.
Atrial standstill 1 (ATRST1). Also called: ATRIAL CARDIOMYOPATHY WITH HEART BLOCK; CARDIOMYOPATHY, FAMILIAL, WITH CONDUCTION DISTURBANCE; Atrial standstill, digenic (GJA5/SCN5A). Identifiers: Orphanet 1344, MedGen C4551959, MONDO:0007171, OMIM 108770.

gnomAD v4.1: 7 of 1,614,156 alleles (0.00043%); highest among the groups gnomAD compares: Non-Finnish European, 0.00059%; no homozygotes.

Submission:

Labcorp Genetics (formerly Invitae), Labcorp
Classification: Uncertain significance for Atrial fibrillation, familial, 11; Atrial standstill 1. Last evaluated: 2022-03-18. Review status: criteria provided, single submitter. Criteria: Invitae Variant Classification Sherloc (09022015). Collection method: clinical testing. Allele origin: germline.
Comment: This sequence change replaces glycine, which is neutral and non-polar, with arginine, which is basic and polar, at codon 176 of the GJA5 protein (p.Gly176Arg). Algorithms developed to predict the effect of missense changes on protein structure and function are either unavailable or do not agree on the potential impact of this missense change (SIFT: "Not Available"; PolyPhen-2: "Probably Damaging"; Align-GVGD: "Not Available"). This variant has not been reported in the literature in individuals affected with GJA5-related conditions. This variant is not present in population databases (gnomAD no frequency). In summary, the available evidence is currently insufficient to determine the role of this variant in disease. Therefore, it has been classified as a Variant of Uncertain Significance.

NM_181703.4(GJA5):c.526G>A (p.Gly176Arg)

Gene: GJA5 (gap junction protein alpha 5; minus strand). Cytogenetic location: 1q21.2.
Variant type: single nucleotide variant.
Coding change: c.526G>A on transcript NM_181703.4 (MANE Select); coding-DNA position 526, G replaced by A.
Protein change: p.Gly176Arg; replaces glycine 176 with arginine.
Molecular consequence: missense variant.
Genome position (GRCh38, 1-based): chr1:147,758,713, C>T on the plus strand (G>A on the coding strand, the complement: GJA5 is on the minus strand). VCF-style: chr1-147758713-C-T. GRCh37 (hg19) VCF-style: chr1-147230821-C-T.
Other names: c.526G>A, p.Gly176Arg (NM_005266.7); short protein forms G176R.
Identifiers: ClinVar variation 1365094 (VCV001365094.8), dbSNP rs2148959125, ClinGen allele CA342395803.
Genomic context (GRCh38, chr1:147,758,713, plus strand): 5'-AGTTGACCGGGTGGGGACAGGGACTCCTGCGGCAGACATGCAGGGTGGTCAGGAAGATTC[C>T]GTAGATGAAGTACTGGCCCACAATGAAGCCCACCTCCATGGTGGTGCGGATCAGGATGCT-3'
Protein context (NP_859054.1, residues 166-186): GFIVGQYFIY[Gly176Arg]IFLTTLHVCR